The following is an entry in ClinVar:

ClinVar aggregate classification (germline): Uncertain significance (1 of 4 stars; one submission).

Submission:

GeneDx
Classification: Uncertain significance. Last evaluated: 2022-07-27. Review status: criteria provided, single submitter. Criteria: GeneDx Variant Classification Process June 2021. Collection method: clinical testing. Allele origin: germline. Affected: yes.
Comment: Not observed at significant frequency in large population cohorts (gnomAD); In silico analysis supports that this missense variant does not alter protein structure/function; Has not been previously published as pathogenic or benign to our knowledge

NM_001303052.2(MYT1L):c.289G>A (p.Glu97Lys)

Gene: MYT1L (myelin transcription factor 1 like; minus strand). Cytogenetic location: 2p25.3.
Variant type: single nucleotide variant.
Coding change: c.289G>A on transcript NM_001303052.2 (MANE Select); coding-DNA position 289, G replaced by A.
Protein change: p.Glu97Lys; replaces glutamic acid 97 with lysine.
Molecular consequence: missense variant.
Genome position (GRCh38, 1-based): chr2:1,943,198, C>T on the plus strand (G>A on the coding strand, the complement: MYT1L is on the minus strand). VCF-style: chr2-1943198-C-T. GRCh37 (hg19) VCF-style: chr2-1946970-C-T.
Other names: c.289G>A, p.Glu97Lys (NM_001329844.2, NM_001329845.1, NM_001329846.3 and 6 more transcripts); short protein forms E97K.
Identifiers: ClinVar variation 2412933 (VCV002412933.3), dbSNP rs2551028176, ClinGen allele CA345713748.